The following is an entry in ClinVar:

ClinVar aggregate classification (germline): Uncertain significance (1 of 4 stars; one submission).

Conditions:
Biotinidase deficiency. Also called: BTD deficiency; Late-onset biotin-responsive multiple carboxylase deficiency; Biotin deficiency. Identifiers: Orphanet 79241, MedGen C0220754, MONDO:0009665, OMIM 253260.

Allele frequency attached by ClinVar (database versions not stated): TOPMed below 0.00001 and 0.00002; gnomAD 0.00003.
gnomAD v4.1: 2 of 1,614,028 alleles (0.00012%); highest among the groups gnomAD compares: Non-Finnish European, 0.00017%; no homozygotes.

Submission:

Labcorp Genetics (formerly Invitae), Labcorp
Classification: Uncertain significance for Biotinidase deficiency. Last evaluated: 2024-12-29. Review status: criteria provided, single submitter. Criteria: Invitae Variant Classification Sherloc (09022015). Collection method: clinical testing. Allele origin: germline.
Comment: This sequence change replaces phenylalanine, which is neutral and non-polar, with valine, which is neutral and non-polar, at codon 128 of the BTD protein (p.Phe128Val). This variant is present in population databases (rs397514355, gnomAD 0.007%). This missense change has been observed in individual(s) with biotinidase deficiency (PMID: 9654207, 35805799). ClinVar contains an entry for this variant (Variation ID: 2680352). Invitae Evidence Modeling of protein sequence and biophysical properties (such as structural, functional, and spatial information, amino acid conservation, physicochemical variation, residue mobility, and thermodynamic stability) indicates that this missense variant is expected to disrupt BTD protein function with a positive predictive value of 95%. In summary, the available evidence is currently insufficient to determine the role of this variant in disease. Therefore, it has been classified as a Variant of Uncertain Significance.

Literature cited by the submitters: PubMed 9654207; PubMed 35805799.

NM_001370658.1(BTD):c.322T>G (p.Phe108Val)

Gene: BTD (biotinidase; plus strand). Cytogenetic location: 3p25.1.
Variant type: single nucleotide variant.
Coding change: c.322T>G on transcript NM_001370658.1 (MANE Select); coding-DNA position 322, T replaced by G.
Protein change: p.Phe108Val; replaces phenylalanine 108 with valine.
Molecular consequence: missense variant.
Genome position (GRCh38, 1-based): chr3:15,641,980, T>G. VCF-style: chr3-15641980-T-G. GRCh37 (hg19) VCF-style: chr3-15683487-T-G.
Other names: c.322T>G, p.Phe108Val (NM_001370752.1, NM_001370753.1, NM_001407364.1 and 36 more transcripts); c.385T>G, p.Phe129Val (NM_001407381.1); c.382T>G, p.Phe128Val (NM_000060.4); short protein forms F108V, F129V.
Identifiers: ClinVar variation 2680352 (VCV002680352.4), dbSNP rs397514355, ClinGen allele CA278197.